The following is an entry in ClinVar:

NM_001038.6(SCNN1A):c.1246_1281dup (p.Lys427_Glu428insCysIleHisSerCysPheGlnGluSerMetIleLys)

Gene: SCNN1A (sodium channel epithelial 1 subunit alpha; minus strand). Cytogenetic location: 12p13.31.
Variant type: Duplication.
Coding change: c.1246_1281dup on transcript NM_001038.6 (MANE Select); coding-DNA positions 1246 to 1281, 36 bases duplicated.
Protein change: p.Lys427_Glu428insCysIleHisSerCysPheGlnGluSerMetIleLys.
Molecular consequence: inframe insertion.
Genome position (GRCh38, 1-based): chr12:6,354,517-6,354,552, 36 bases duplicated; duplicating any 36 consecutive bases within chr12:6,354,517-6,354,553 gives the same sequence; the c. name uses the placement nearest the transcript's 3' end. GRCh37 (hg19): chr12:6,463,684-6,463,719.
Other names: c.1315_1350dup, p.Lys450_Glu451insCysIleHisSerCysPheGlnGluSerMetIleLys (NM_001159575.2); c.1423_1458dup, p.Lys486_Glu487insCysIleHisSerCysPheGlnGluSerMetIleLys (NM_001159576.2).
Identifiers: ClinVar variation 1923102 (VCV001923102.6), dbSNP rs779757552, ClinGen allele CA6405924.

ClinVar aggregate classification (germline): Uncertain significance. Review status: criteria provided, multiple submitters, no conflicts (2 of 4 stars). 2 submissions from 2 submitters: Uncertain significance (2). Last evaluated 2024-05-22.

Conditions:
Bronchiectasis with or without elevated sweat chloride 2 (BESC2). Identifiers: Orphanet 60033, MedGen C2751666, MONDO:0013087, OMIM 613021.
Pseudohypoaldosteronism, type IB1, autosomal recessive. Also called: Autosomal recessive pseudohypoaldosteronism type 1; Pseudohypoaldosteronism, Type I, Autosomal Recessive; Pseudohypoaldosteronism, Type I, Recessive; PHA I, AUTOSOMAL RECESSIVE. Identifiers: Orphanet 171876, Orphanet 756, MedGen C5774176, MONDO:0009917, OMIM 264350.
Liddle syndrome 3. Identifiers: MedGen C4748292, MONDO:0029132, OMIM 618126.

Submissions (2):

Fulgent Genetics
Classification: Uncertain significance for Pseudohypoaldosteronism, type IB1, autosomal recessive; Bronchiectasis with or without elevated sweat chloride 2; Liddle syndrome 3. Last evaluated: 2024-05-22. Review status: criteria provided, single submitter. Criteria: ACMG Guidelines, 2015. Collection method: clinical testing. Allele origin: germline.

Labcorp Genetics (formerly Invitae), Labcorp
Classification: Uncertain significance. Last evaluated: 2022-04-25. Review status: criteria provided, single submitter. Criteria: Invitae Variant Classification Sherloc (09022015). Collection method: clinical testing. Allele origin: germline.
Comment: In summary, the available evidence is currently insufficient to determine the role of this variant in disease. Therefore, it has been classified as a Variant of Uncertain Significance. Algorithms developed to predict the effect of sequence changes on RNA splicing suggest that this variant may create or strengthen a splice site. This variant has not been reported in the literature in individuals affected with SCNN1A-related conditions. This variant is present in population databases (rs779757552, gnomAD 0.006%). This variant, c.1246_1281dup, results in the insertion of 12 amino acid(s) of the SCNN1A protein (p.Cys416_Lys427dup), but otherwise preserves the integrity of the reading frame.